The following is an entry in ClinVar:

NM_001365951.3(KIF1B):c.1301C>T (p.Ala434Val)

Gene: KIF1B (kinesin family member 1B; plus strand). Cytogenetic location: 1p36.22.
Variant type: single nucleotide variant.
Coding change: c.1301C>T on transcript NM_001365951.3 (MANE Select); coding-DNA position 1301, C replaced by T.
Protein change: p.Ala434Val; replaces alanine 434 with valine.
Molecular consequence: missense variant.
Genome position (GRCh38, 1-based): chr1:10,282,400, C>T. VCF-style: chr1-10282400-C-T. GRCh37 (hg19) VCF-style: chr1-10342458-C-T.
Other names: c.1301C>T, p.Ala434Val (NM_001365952.1); c.1163C>T, p.Thr388Ile (NM_001365953.1, NM_015074.3, NM_183416.4); short protein forms A434V, T388I.
Identifiers: ClinVar variation 3288379 (VCV003288379.1).

ClinVar aggregate classification (germline): Uncertain significance (1 of 4 stars; one submission).

Submission:

Ambry Genetics
Classification: Uncertain significance. Last evaluated: 2024-03-19. Review status: criteria provided, single submitter. Criteria: Ambry Variant Classification Scheme 2023. Collection method: clinical testing. Allele origin: germline.
Comment: The p.T388I variant (also known as c.1163C>T) is located in coding exon 12 of the KIF1B gene. The threonine at codon 388 is replaced by isoleucine, an amino acid with similar properties. This change occurs in the first base pair of coding exon 12. This amino acid position is conserved. In addition, the in silico prediction for this alteration is inconclusive. Based on the available evidence, the clinical significance of this alteration remains unclear.